The following is an entry in ClinVar:

NM_206996.4(SPAG17):c.6025G>A (p.Val2009Met)

Gene: SPAG17 (sperm associated antigen 17; minus strand). Cytogenetic location: 1p12.
Variant type: single nucleotide variant.
Coding change: c.6025G>A on transcript NM_206996.4 (MANE Select); coding-DNA position 6025, G replaced by A.
Protein change: p.Val2009Met; replaces valine 2009 with methionine.
Molecular consequence: missense variant.
Genome position (GRCh38, 1-based): chr1:117,973,541, C>T on the plus strand (G>A on the coding strand, the complement: SPAG17 is on the minus strand). VCF-style: chr1-117973541-C-T. GRCh37 (hg19) VCF-style: chr1-118516164-C-T.
Other names: short protein forms V2009M.
Identifiers: ClinVar variation 3234257 (VCV003234257.20), dbSNP rs79780292, ClinGen allele CA1032902.

ClinVar aggregate classification (germline): Likely benign (1 of 4 stars; one submission).

Allele frequency attached by ClinVar (database versions not stated): ESP Exome Variant Server 0.00008; gnomAD 0.00052; ExAC 0.00070; TOPMed 0.00070; 1000 Genomes Project 30x 0.00219; 1000 Genomes Project 0.00240.
gnomAD v4.1: 516 of 1,613,734 alleles (0.032%); highest among the groups gnomAD compares: East Asian, 0.74%; 1 homozygote.

Submission:

CeGaT Center for Human Genetics Tuebingen
Classification: Likely benign. Last evaluated: 2024-03-01. Review status: criteria provided, single submitter. Criteria: CeGaT Center For Human Genetics Tuebingen Variant Classification Criteria Version 2. Collection method: clinical testing. Allele origin: germline. Affected: yes. Observed: 1 variant allele.
Comment: SPAG17: BP4, BS2